The following is an entry in ClinVar:

NM_001165963.4(SCN1A):c.118G>A (p.Asp40Asn)

Gene: SCN1A (sodium voltage-gated channel alpha subunit 1; minus strand). Cytogenetic location: 2q24.3.
Variant type: single nucleotide variant.
Coding change: c.118G>A on transcript NM_001165963.4 (MANE Select); coding-DNA position 118, G replaced by A.
Protein change: p.Asp40Asn; replaces aspartic acid 40 with asparagine.
Molecular consequence: missense variant. On other transcripts: 5 prime UTR variant (1), non-coding transcript variant (1).
Genome position (GRCh38, 1-based): chr2:166,073,504, C>T on the plus strand (G>A on the coding strand, the complement: SCN1A is on the minus strand). VCF-style: chr2-166073504-C-T. GRCh37 (hg19) VCF-style: chr2-166930014-C-T.
Other names: c.118G>A, p.Asp40Asn (NM_001165964.3, NM_001202435.3, NM_001353948.2 and 10 more transcripts); c.-2308G>A (NM_001353961.2); short protein forms D40N.
Identifiers: ClinVar variation 640094 (VCV000640094.12), dbSNP rs1574373061, ClinGen allele CA349243162.
Genomic context (GRCh38, chr2:166,073,504, plus strand): 5'-TCTTTCCAGCTTCCAAGTCACTATTTGGCTTTGGGCCATTTTCGTCGTCATCTTTTTTGT[C>T]TGGTTTGGGATTCTTTGCCTTTTCTTCTGCAATGCGTCTTTCAATAGCCGCAAGAGATTC-3'
Protein context (NP_001159435.1, residues 30-50): AEEKAKNPKP[Asp40Asn]KKDDDENGPK

ClinVar aggregate classification (germline): Conflicting classifications of pathogenicity. Review status: criteria provided, conflicting classifications (1 of 4 stars). 2 submissions from 2 submitters: Uncertain significance (1); Likely benign (1). Last evaluated 2023-12-21.

Conditions:
Early-infantile DEE. Also called: Early infantile epileptic encephalopathy; Early infantile epileptic encephalopathy with suppression bursts; Ohtahara syndrome. Identifiers: Orphanet 1934, MedGen C0393706, MONDO:0800491.

Submissions (2):

Labcorp Genetics (formerly Invitae), Labcorp
Classification: Likely benign for Early-infantile DEE. Last evaluated: 2023-12-21. Review status: criteria provided, single submitter. Criteria: Invitae Variant Classification Sherloc (09022015). Collection method: clinical testing. Allele origin: germline.

GeneDx
Classification: Uncertain significance. Last evaluated: 2023-12-08. Review status: criteria provided, single submitter. Criteria: GeneDx Variant Classification Process June 2021. Collection method: clinical testing. Allele origin: germline. Affected: yes.
Comment: Not observed at significant frequency in large population cohorts (gnomAD); Missense variants in this gene are a common cause of disease and they are underrepresented in the general population; In silico analysis supports that this missense variant does not alter protein structure/function; Has not been previously published as pathogenic or benign to our knowledge; This substitution is predicted to be within the N-terminal cytoplasmic domain